The following is an entry in ClinVar:

NM_182931.3(KMT2E):c.1757A>C (p.Gln586Pro)

Gene: KMT2E (lysine methyltransferase 2E (inactive); plus strand). Cytogenetic location: 7q22.3.
Variant type: single nucleotide variant.
Coding change: c.1757A>C on transcript NM_182931.3 (MANE Select); coding-DNA position 1757, A replaced by C.
Protein change: p.Gln586Pro; replaces glutamine 586 with proline.
Molecular consequence: missense variant.
Genome position (GRCh38, 1-based): chr7:105,101,459, A>C. VCF-style: chr7-105101459-A-C. GRCh37 (hg19) VCF-style: chr7-104741906-A-C.
Other names: c.1757A>C, p.Gln586Pro (NM_001410908.1, NM_018682.4); short protein forms Q586P.
Identifiers: ClinVar variation 3359918 (VCV003359918.1).
Genomic context (GRCh38, chr7:105,101,459, plus strand): 5'-TGTCACTTAAAATTTAAATTTCATAGACAAGAGAAGAAAGAAAAATGGAAGCAATTTTGC[A>C]AGCTTTTGCCAGACTTGAAAAGAGAGAGAAAAGAAGAGAACAAGCTTTGGAAAGGATCAG-3'
Protein context (NP_891847.1, residues 576-596): REERKMEAIL[Gln586Pro]AFARLEKREK

ClinVar aggregate classification (germline): Uncertain significance (1 of 4 stars; one submission).

Submission:

GeneDx
Classification: Uncertain significance. Last evaluated: 2023-06-14. Review status: criteria provided, single submitter. Criteria: GeneDx Variant Classification Process June 2021. Collection method: clinical testing. Allele origin: germline. Affected: yes.
Comment: Not observed at significant frequency in large population cohorts (gnomAD); In silico analysis supports that this missense variant has a deleterious effect on protein structure/function; Has not been previously published as pathogenic or benign to our knowledge